The following is an entry in ClinVar:

ClinVar aggregate classification (germline): Pathogenic. Review status: reviewed by expert panel (3 of 4 stars). 4 submissions from 4 submitters: Pathogenic (1). 3 of the submissions do not count toward it. Last evaluated 2016-10-18.

Conditions:
Hereditary cancer-predisposing syndrome. Also called: Hereditary Cancer Syndrome; Neoplastic Syndromes, Hereditary; Tumor predisposition; Hereditary neoplastic syndrome. Identifiers: Orphanet 140162, MedGen C0027672, MeSH D009386, MONDO:0015356.
Breast-ovarian cancer, familial, susceptibility to, 2 (BROVCA2). Also called: BRCA2 Hereditary Breast and Ovarian Cancer. Identifiers: Orphanet 145, MedGen C2675520, MONDO:0012933, OMIM 612555. Disease mechanism: loss of function.
Hereditary breast ovarian cancer syndrome. Also called: Hereditary breast and/or ovarian cancer syndrome; BRCA1- and BRCA2-Associated Hereditary Breast and Ovarian Cancer; Hereditary breast and ovarian cancer syndrome (HBOC); Hereditary breast and ovarian cancer; Hereditary breast and ovarian cancer syndrome; Breast and ovarian cancer. Identifiers: Orphanet 145, MedGen C0677776, MeSH D061325, MONDO:0003582. Disease mechanism: loss of function.

Submissions (4):

Evidence-based Network for the Interpretation of Germline Mutant Alleles (ENIGMA)
Classification: Pathogenic for Breast-ovarian cancer, familial, susceptibility to, 2. Last evaluated: 2016-10-18. Review status: reviewed by expert panel. Criteria: ENIGMA BRCA1/2 Classification Criteria (2015). Collection method: curation. Allele origin: germline.
Comment: Variant allele predicted to encode a truncated non-functional protein.

Labcorp Genetics (formerly Invitae), Labcorp
Classification: Pathogenic for Hereditary breast ovarian cancer syndrome. Last evaluated: 2024-12-22. Review status: criteria provided, single submitter. Criteria: Invitae Variant Classification Sherloc (09022015). Collection method: clinical testing. Allele origin: germline. Not counted in ClinVar's aggregate classification.
Comment: This sequence change creates a premature translational stop signal (p.Lys1487Thrfs*26) in the BRCA2 gene. It is expected to result in an absent or disrupted protein product. Loss-of-function variants in BRCA2 are known to be pathogenic (PMID: 20104584). This variant is not present in population databases (gnomAD no frequency). This premature translational stop signal has been observed in individual(s) with breast and/or ovarian cancer (PMID: 26187060). ClinVar contains an entry for this variant (Variation ID: 232850). For these reasons, this variant has been classified as Pathogenic.

Ambry Genetics
Classification: Pathogenic for Hereditary cancer-predisposing syndrome. Last evaluated: 2024-12-20. Review status: criteria provided, single submitter. Criteria: Ambry Variant Classification Scheme 2023. Collection method: clinical testing. Allele origin: germline. Not counted in ClinVar's aggregate classification.
Comment: The c.4460_4461delAA pathogenic mutation, located in coding exon 10 of the BRCA2 gene, results from a deletion of two nucleotides at nucleotide positions 4460 to 4461, causing a translational frameshift with a predicted alternate stop codon (p.K1487Tfs*26). This variant is considered to be rare based on population cohorts in the Genome Aggregation Database (gnomAD). This alteration is expected to result in loss of function by premature protein truncation or nonsense-mediated mRNA decay. As such, this alteration is interpreted as a disease-causing mutation.

Consortium of Investigators of Modifiers of BRCA1/2 (CIMBA), c/o University of Cambridge
Classification: Pathogenic for Breast-ovarian cancer, familial, susceptibility to, 2. Last evaluated: 2015-10-02. Review status: criteria provided, single submitter. Criteria: CIMBA Mutation Classification guidelines May 2016. Collection method: clinical testing. Allele origin: germline. Not counted in ClinVar's aggregate classification.

Literature cited by the submitters: PubMed 20104584 (cited by Labcorp Genetics (formerly Invitae), Labcorp); PubMed 26187060 (cited by Labcorp Genetics (formerly Invitae), Labcorp).

NM_000059.4(BRCA2):c.4460_4461del (p.Lys1487fs)

Gene: BRCA2 (BRCA2 DNA repair associated; plus strand). Cytogenetic location: 13q13.1.
Variant type: Deletion.
Coding change: c.4460_4461del on transcript NM_000059.4 (MANE Select); coding-DNA positions 4460 to 4461, 2 bases deleted (AA; older notation c.4460_4461delAA).
Protein change: p.Lys1487fs; shifts the reading frame from lysine 1487.
Molecular consequence: frameshift variant.
Genome position (GRCh38, 1-based): chr13:32,338,815-32,338,816, AA deleted; deleting any 2 consecutive bases within chr13:32,338,814-32,338,816 gives the same sequence; the c. name uses the placement nearest the transcript's 3' end. VCF-style (leftmost placement, unchanged base first): chr13-32338813-TAA-T. GRCh37 (hg19) VCF-style: chr13-32912950-TAA-T.
Other names: 4688delAA; c.4460_4461delAA (NM_000059.3).
Identifiers: ClinVar variation 232850 (VCV000232850.18), dbSNP rs876660026, ClinGen allele CA10579618.
Genomic context (GRCh38, chr13:32,338,813, plus strand): 5'-ACATTCTGACATAAGAAAGAACAAAATGGACATTCTAAGTTATGAGGAAACAGACATAGT[TAA>T]ACACAAAATACTGAAAGAAAGTGTCCCAGTTGGTACTGGAAATCAACTAGTGACCTTCCA-3'